The following is an entry in ClinVar:

ClinVar aggregate classification (germline): Uncertain significance (1 of 4 stars; one submission).

Conditions:
Sulfite oxidase deficiency due to molybdenum cofactor deficiency type A. Also called: Molybdenum cofactor deficiency, complementation group A; Molybdenum Cofactor Deficiency A. Identifiers: Orphanet 308386, Orphanet 833, MedGen C1854988, MONDO:0009643, OMIM 252150.

Submission:

Labcorp Genetics (formerly Invitae), Labcorp
Classification: Uncertain significance for Sulfite oxidase deficiency due to molybdenum cofactor deficiency type A. Last evaluated: 2022-04-18. Review status: criteria provided, single submitter. Criteria: Invitae Variant Classification Sherloc (09022015). Collection method: clinical testing. Allele origin: germline.
Comment: This variant is not present in population databases (gnomAD no frequency). In summary, the available evidence is currently insufficient to determine the role of this variant in disease. Therefore, it has been classified as a Variant of Uncertain Significance. This variant has not been reported in the literature in individuals affected with MOCS1-related conditions. This sequence change affects codon 315 of the MOCS1 mRNA. It is a 'silent' change, meaning that it does not change the encoded amino acid sequence of the MOCS1 protein.

NM_001358530.2(MOCS1):c.945C>T (p.Cys315=)

Gene: MOCS1 (molybdenum cofactor synthesis 1; minus strand). Cytogenetic location: 6p21.2.
Variant type: single nucleotide variant.
Coding change: c.945C>T on transcript NM_001358530.2 (MANE Select); coding-DNA position 945, C replaced by T.
Protein change: p.Cys315=; no amino-acid change (cysteine 315 retained).
Molecular consequence: synonymous variant. On other transcripts: non-coding transcript variant (1).
Genome position (GRCh38, 1-based): chr6:39,912,300, G>A on the plus strand (C>T on the coding strand, the complement: MOCS1 is on the minus strand). VCF-style: chr6-39912300-G-A. GRCh37 (hg19) VCF-style: chr6-39880044-G-A.
Other names: c.945C>T, p.Cys315= (NM_001075098.4, NM_001358529.2, NM_005943.6); c.684C>T, p.Cys228= (NM_001358531.2, NM_001358533.2, NM_001358534.2).
Identifiers: ClinVar variation 2127645 (VCV002127645.4), dbSNP rs2482302695, ClinGen allele CA450204045.